The following is an entry in ClinVar:

NM_000038.6(APC):c.3815C>G (p.Ser1272Ter)

Gene: APC (APC regulator of Wnt signaling pathway; plus strand). Cytogenetic location: 5q22.2.
Variant type: single nucleotide variant.
Coding change: c.3815C>G on transcript NM_000038.6 (MANE Select); coding-DNA position 3815, C replaced by G.
Protein change: p.Ser1272Ter; replaces serine 1272 with a stop codon.
Molecular consequence: nonsense.
Genome position (GRCh38, 1-based): chr5:112,839,409, C>G. VCF-style: chr5-112839409-C-G. GRCh37 (hg19) VCF-style: chr5-112175106-C-G.
Other names: c.3815C>G, p.Ser1272Ter (NM_001127510.3, NM_001354895.2); c.3761C>G, p.Ser1254Ter (NM_001127511.3); c.3869C>G, p.Ser1290Ter (NM_001354896.2); c.3845C>G, p.Ser1282Ter (NM_001354897.2); c.3740C>G, p.Ser1247Ter (NM_001354898.2); c.3731C>G, p.Ser1244Ter (NM_001354899.2); c.3692C>G, p.Ser1231Ter (NM_001354900.2); c.3638C>G, p.Ser1213Ter (NM_001354901.2); and 5 more; short protein forms S1254*, S1272*, S1282*, S989*, S1112*, S1146*, S1181*, S1247*.
Identifiers: ClinVar variation 217973 (VCV000217973.19), dbSNP rs863225348, ClinGen allele CA279822.

ClinVar aggregate classification (germline): Pathogenic. Review status: criteria provided, multiple submitters, no conflicts (2 of 4 stars). 6 submissions from 6 submitters: Pathogenic (5). 1 of the submissions does not count toward it. Last evaluated 2024-06-10.

Conditions:
Hereditary cancer-predisposing syndrome. Also called: Hereditary Cancer Syndrome; Hereditary neoplastic syndrome; Neoplastic Syndromes, Hereditary; Tumor predisposition. Identifiers: Orphanet 140162, MedGen C0027672, MeSH D009386, MONDO:0015356.
Familial adenomatous polyposis 1 (FAP1). Also called: FAMILIAL ADENOMATOUS POLYPOSIS 1, ATTENUATED; POLYPOSIS, ADENOMATOUS INTESTINAL. Identifiers: MedGen C2713442, MONDO:0021056, OMIM 175100. Disease mechanism: loss of function.

Submissions (6):

Ambry Genetics
Classification: Pathogenic for Hereditary cancer-predisposing syndrome. Last evaluated: 2024-06-10. Review status: criteria provided, single submitter. Criteria: Ambry Variant Classification Scheme 2023. Collection method: clinical testing. Allele origin: germline.
Comment: The p.S1272* pathogenic mutation (also known as c.3815C>G), located in coding exon 15 of the APC gene, results from a C to G substitution at nucleotide position 3815. This changes the amino acid from a serine to a stop codon within coding exon 15. This mutation has been detected in multiple individuals/families with FAP/AFAP (Vandrovcov&aacute; J et al. Hum. Mutat. 2004 Apr;23:397; Lagarde A et al. J. Med. Genet. 2010 Oct;47:721-2; De Rosa M et al. Hum. Mutat. 2004 May;23:523-4). A similar nucleotide change leading to the same protein level mutation, p.S1272* (c.3815C>A), was detected in 1/53 South Asian FAP families in one study (Khan N et al. Sci Rep. 2017 05;7:2214). In addition to the clinical data presented in the literature, this alteration is expected to result in loss of function by premature protein truncation. As such, this alteration is interpreted as a disease-causing mutation.

Labcorp Genetics (formerly Invitae), Labcorp
Classification: Pathogenic for Familial adenomatous polyposis 1. Last evaluated: 2024-03-17. Review status: criteria provided, single submitter. Criteria: Invitae Variant Classification Sherloc (09022015). Collection method: clinical testing. Allele origin: germline.
Comment: This sequence change creates a premature translational stop signal (p.Ser1272*) in the APC gene. While this is not anticipated to result in nonsense mediated decay, it is expected to disrupt the last 1572 amino acid(s) of the APC protein. This variant is not present in population databases (gnomAD no frequency). This premature translational stop signal has been observed in individual(s) with clinical features of familial adenomatosis polyposis (PMID: 15024739). ClinVar contains an entry for this variant (Variation ID: 217973). This variant is expected to disrupt the EB1 and HDLG binding sites, which mediate interactions with the cytoskeleton (PMID: 15311282, 17293347). While functional studies have not been performed to directly test the effect on APC protein function, this suggests that disruption of the C-terminal portion of the protein is functionally important. This variant disrupts a region of the APC protein in which other variant(s) (p.Tyr2645Lysfs*14) have been determined to be pathogenic (PMID: 1316610, 8381579, 9824584, 22135120, 27081525; Invitae). This suggests that this is a clinically significant region of the protein, and that variants that disrupt it are likely to be disease-causing. For these reasons, this variant has been classified as Pathogenic.

Myriad Genetics, Inc.
Classification: Pathogenic for Familial adenomatous polyposis 1. Last evaluated: 2023-05-09. Review status: criteria provided, single submitter. Criteria: Myriad Autosomal Dominant, Autosomal Recessive and X-Linked Classification Criteria (2023). Collection method: clinical testing. Allele origin: unknown.
Comment: This variant is considered pathogenic. This variant creates a termination codon and is predicted to result in premature protein truncation.

Color Diagnostics, LLC DBA Color Health
Classification: Pathogenic for Hereditary cancer-predisposing syndrome. Last evaluated: 2020-01-15. Review status: criteria provided, single submitter. Criteria: ACMG Guidelines, 2015. Collection method: clinical testing. Allele origin: germline.
Comment: This variant changes 1 nucleotide in exon 16 of the APC gene, creating a premature translation stop signal. This variant is expected to result in an absent or non-functional protein product. This variant has not been identified in the general population by the Genome Aggregation Database (gnomAD). Loss of APC function is a known mechanism of disease. Based on the available evidence, this variant is classified as Pathogenic.

GeneDx
Classification: Pathogenic. Last evaluated: 2017-09-05. Review status: criteria provided, single submitter. Criteria: GeneDx Variant Classification (06012015). Collection method: clinical testing. Allele origin: germline. Affected: yes.
Comment: This variant is denoted APC c.3815C>G at the cDNA level and p.Ser1272Ter (S1272X) at the proteinlevel. The substitution creates a nonsense variant, which changes a Serine to a premature stop codon (TCA>TGA),and is predicted to cause loss of normal protein function through protein truncation. This variant has been reported inindividuals with Familial Adenomatous Polyposis (De Rosa 2004, VandrovcovÃ¡ 2004, Lagarde 2010) and is consideredpathogenic

Mayo Clinic Laboratories, Mayo Clinic
Classification: Likely pathogenic. Review status: no assertion criteria provided. Collection method: research. Allele origin: unknown. Observed: 1 variant allele. Not counted in ClinVar's aggregate classification.

Literature cited by the submitters: PubMed 15024739 (cited by Ambry Genetics and Labcorp Genetics (formerly Invitae), Labcorp); PubMed 15108288 (cited by Ambry Genetics); PubMed 20685668 (cited by Ambry Genetics); PubMed 28533537 (cited by Ambry Genetics); PubMed 15311282 (cited by Labcorp Genetics (formerly Invitae), Labcorp); PubMed 17293347 (cited by Labcorp Genetics (formerly Invitae), Labcorp); PubMed 1316610 (cited by Labcorp Genetics (formerly Invitae), Labcorp); PubMed 8381579 (cited by Labcorp Genetics (formerly Invitae), Labcorp); PubMed 9824584 (cited by Labcorp Genetics (formerly Invitae), Labcorp); PubMed 22135120 (cited by Labcorp Genetics (formerly Invitae), Labcorp); PubMed 27081525 (cited by Labcorp Genetics (formerly Invitae), Labcorp).